The following is an entry in ClinVar:

ClinVar aggregate classification (germline): Uncertain significance (1 of 4 stars; one submission).

Allele frequency attached by ClinVar (database versions not stated): gnomAD 0.00001; TOPMed 0.00002.
gnomAD v4.1: 2 of 1,613,878 alleles (0.00012%); highest among the groups gnomAD compares: Non-Finnish European, 0.00017%; no homozygotes.

Submission:

Women's Health and Genetics/Laboratory Corporation of America, LabCorp
Classification: Uncertain significance. Last evaluated: 2023-04-21. Review status: criteria provided, single submitter. Criteria: LabCorp Variant Classification Summary - May 2015. Collection method: clinical testing. Allele origin: germline.
Comment: Variant summary: FBN1 c.53C>T (p.Ala18Val) results in a non-conservative amino acid change in the encoded protein sequence. Three of five in-silico tools predict a benign effect of the variant on protein function. The variant allele was found at a frequency of 4e-06 in 251270 control chromosomes. The available data on variant occurrences in the general population are insufficient to allow any conclusion about variant significance. To our knowledge, no occurrence of c.53C>T in individuals affected with Marfan Syndrome and no experimental evidence demonstrating its impact on protein function have been reported. No clinical diagnostic laboratories have submitted clinical-significance assessments for this variant to ClinVar after 2014. Based on the evidence outlined above, the variant was classified as uncertain significance.

NM_000138.5(FBN1):c.53C>T (p.Ala18Val)

Genes: FBN1 (fibrillin 1; minus strand), LOC130057019 (ATAC-STARR-seq lymphoblastoid silent region 6417; plus strand). Cytogenetic location: 15q21.1.
Variant type: single nucleotide variant.
Coding change: c.53C>T on transcript NM_000138.5 (MANE Select); coding-DNA position 53, C replaced by T.
Protein change: p.Ala18Val; replaces alanine 18 with valine.
Molecular consequence: missense variant.
Genome position (GRCh38, 1-based): chr15:48,644,717, G>A on the plus strand (C>T on the coding strand, the complement: FBN1 is on the minus strand). VCF-style: chr15-48644717-G-A. GRCh37 (hg19) VCF-style: chr15-48936914-G-A.
Other names: c.53C>T, p.Ala18Val (NM_001406716.1, NM_001406717.1, NM_001406718.1); short protein forms A18V.
Identifiers: ClinVar variation 2503888 (VCV002503888.1), dbSNP rs770295085, ClinGen allele CA270085538.